The following is an entry in ClinVar:

NM_000098.3(CPT2):c.1437C>G (p.Tyr479Ter)

Gene: CPT2 (carnitine palmitoyltransferase 2; plus strand). Cytogenetic location: 1p32.3.
Variant type: single nucleotide variant.
Coding change: c.1437C>G on transcript NM_000098.3 (MANE Select); coding-DNA position 1437, C replaced by G.
Protein change: p.Tyr479Ter; replaces tyrosine 479 with a stop codon.
Molecular consequence: nonsense.
Genome position (GRCh38, 1-based): chr1:53,211,111, C>G. VCF-style: chr1-53211111-C-G. GRCh37 (hg19) VCF-style: chr1-53676783-C-G.
Other names: c.1437C>G, p.Tyr479Ter (NM_001330589.2); short protein forms Y479*.
Identifiers: ClinVar variation 1944741 (VCV001944741.6), dbSNP rs370157946, ClinGen allele CA340395847.
Genomic context (GRCh38, chr1:53,211,111, plus strand): 5'-AAAGCTGAGCCCTGACGCAGTTGCCCAGCTGGCATTCCAGATGGCCTTCCTGCGGCAGTA[C>G]GGGCAGACAGTGGCCACCTACGAGTCCTGTAGCACTGCCGCATTCAAGCACGGCCGCACT-3'

ClinVar aggregate classification (germline): Pathogenic/Likely pathogenic. Review status: criteria provided, multiple submitters, no conflicts (2 of 4 stars). 2 submissions from 2 submitters: Pathogenic (1); Likely pathogenic (1). Last evaluated 2025-08-22.

Conditions:
Carnitine palmitoyltransferase II deficiency. Also called: Carnitine Palmitoyltransferase 2 Deficiency. Identifiers: Orphanet 157, MedGen C0342790, MONDO:0015515.
Encephalopathy, acute, infection-induced, susceptibility to, 4. Identifiers: Orphanet 263524, MedGen C3280160, MONDO:0013633, OMIM 614212.

Allele frequency attached by ClinVar (database versions not stated): TOPMed 0.00001.

Submissions (2):

Labcorp Genetics (formerly Invitae), Labcorp
Classification: Pathogenic for Carnitine palmitoyltransferase II deficiency. Last evaluated: 2025-08-22. Review status: criteria provided, single submitter. Criteria: Invitae Variant Classification Sherloc (09022015). Collection method: clinical testing. Allele origin: germline.
Comment: This sequence change creates a premature translational stop signal (p.Tyr479*) in the CPT2 gene. It is expected to result in an absent or disrupted protein product. Loss-of-function variants in CPT2 are known to be pathogenic (PMID: 16781677, 16996287). This variant is present in population databases (no rsID available, gnomAD 0.01%). This variant has not been reported in the literature in individuals affected with CPT2-related conditions. ClinVar contains an entry for this variant (Variation ID: 1944741). For these reasons, this variant has been classified as Pathogenic.

Baylor Genetics
Classification: Likely pathogenic for Encephalopathy, acute, infection-induced, susceptibility to, 4. Last evaluated: 2023-05-22. Review status: criteria provided, single submitter. Criteria: ACMG Guidelines, 2015. Collection method: clinical testing. Allele origin: unknown.

Literature cited by the submitters: PubMed 16781677 (cited by Labcorp Genetics (formerly Invitae), Labcorp); PubMed 16996287 (cited by Labcorp Genetics (formerly Invitae), Labcorp).